The following is an entry in ClinVar:

ClinVar aggregate classification (germline): Conflicting classifications of pathogenicity. Review status: criteria provided, conflicting classifications (1 of 4 stars). 2 submissions from 2 submitters: Uncertain significance (1); Likely benign (1). Last evaluated 2025-12-05.

Conditions:
Inborn genetic diseases. Identifiers: MedGen C0950123, MeSH D030342.
Neonatal-onset encephalopathy with rigidity and seizures. Also called: Lethal neonatal spasticity-epileptic encephalopathy syndrome. Identifiers: Orphanet 435845, MedGen C3281029, MONDO:0013784, OMIM 614498.

Allele frequency attached by ClinVar (database versions not stated): gnomAD exomes 0.00004 and 0.00002; ESP Exome Variant Server 0.00008; gnomAD 0.00009; ExAC 0.00005; TOPMed 0.00009.
gnomAD v4.1: 40 of 1,606,334 alleles (0.0025%); highest among the groups gnomAD compares: Admixed American, 0.035%; no homozygotes.

Submissions (2):

Ambry Genetics
Classification: Likely benign for Inborn genetic diseases. Last evaluated: 2025-12-05. Review status: criteria provided, single submitter. Criteria: Ambry Variant Classification Scheme 2023. Collection method: clinical testing. Allele origin: germline.

Labcorp Genetics (formerly Invitae), Labcorp
Classification: Uncertain significance for Neonatal-onset encephalopathy with rigidity and seizures. Last evaluated: 2022-10-03. Review status: criteria provided, single submitter. Criteria: Invitae Variant Classification Sherloc (09022015). Collection method: clinical testing. Allele origin: germline.
Comment: This sequence change replaces arginine, which is basic and polar, with cysteine, which is neutral and slightly polar, at codon 670 of the BRAT1 protein (p.Arg670Cys). This variant is present in population databases (rs368449590, gnomAD 0.03%). This variant has not been reported in the literature in individuals affected with BRAT1-related conditions. ClinVar contains an entry for this variant (Variation ID: 1490650). Advanced modeling of protein sequence and biophysical properties (such as structural, functional, and spatial information, amino acid conservation, physicochemical variation, residue mobility, and thermodynamic stability) performed at Invitae indicates that this missense variant is not expected to disrupt BRAT1 protein function. In summary, the available evidence is currently insufficient to determine the role of this variant in disease. Therefore, it has been classified as a Variant of Uncertain Significance.

NM_152743.4(BRAT1):c.2008C>T (p.Arg670Cys)

Gene: BRAT1 (BRCA1 associated ATM activator 1; minus strand). Cytogenetic location: 7p22.3.
Variant type: single nucleotide variant.
Coding change: c.2008C>T on transcript NM_152743.4 (MANE Select); coding-DNA position 2008, C replaced by T.
Protein change: p.Arg670Cys; replaces arginine 670 with cysteine.
Molecular consequence: missense variant. On other transcripts: non-coding transcript variant (1).
Genome position (GRCh38, 1-based): chr7:2,538,527, G>A on the plus strand (C>T on the coding strand, the complement: BRAT1 is on the minus strand). VCF-style: chr7-2538527-G-A. GRCh37 (hg19) VCF-style: chr7-2578161-G-A.
Other names: c.2188C>T, p.Arg730Cys (NM_001350626.2); c.1483C>T, p.Arg495Cys (NM_001350627.2); c.2008C>T (NM_152743.3); short protein forms R670C, R495C, R730C.
Identifiers: ClinVar variation 1490650 (VCV001490650.4), dbSNP rs368449590, ClinGen allele CA4127484.